The following is an entry in ClinVar:

NM_000192.3(TBX5):c.-377C>T

Gene: TBX5 (T-box transcription factor 5; minus strand). Cytogenetic location: 12q24.21.
Variant type: single nucleotide variant.
Coding change: c.-377C>T on transcript NM_000192.3; 377 bases upstream of the start codon, C replaced by T.
Molecular consequence: 5 prime UTR variant.
Genome position (GRCh38, 1-based): chr12:114,408,152, G>A on the plus strand (C>T on the coding strand, the complement: TBX5 is on the minus strand). VCF-style: chr12-114408152-G-A. GRCh37 (hg19) VCF-style: chr12-114845957-G-A.
Identifiers: ClinVar variation 883680 (VCV000883680.6), dbSNP rs372524573, ClinGen allele CA244135400.
Genomic context (GRCh38, chr12:114,408,152, plus strand): 5'-GGACTTGGAGACGTCACGAGTCACGCAACCGGCCCGCGCGCTGTCACGTTTGGCTGGGGG[G>A]CAGCGGCGGGAGGTAAATTTCTCTCCGTCTTCGCCTATCAGTGCCGGGTCTGCGCAGCCA-3'

ClinVar aggregate classification (germline): Benign (1 of 4 stars; one submission).

Conditions:
Holt-Oram syndrome (HOS). Also called: Ventriculo-radial syndrome; Cardiac-limb syndrome; Heart-hand syndrome, type 1; TBX5-Related Holt-Oram Syndrome. Identifiers: Orphanet 392, MedGen C0265264, MONDO:0007732, OMIM 142900.

Allele frequency attached by ClinVar (database versions not stated): 1000 Genomes Project 0.00200; 1000 Genomes Project 30x 0.00203; gnomAD 0.00230 and 0.00245; TOPMed 0.00272; gnomAD exomes 0.00018.
gnomAD v4.1: 507 of 985,438 alleles (0.051%); highest among the groups gnomAD compares: African/African-American, 0.81%; 3 homozygotes.

Submission:

Illumina Laboratory Services, Illumina
Classification: Benign for Holt-Oram syndrome. Last evaluated: 2018-01-12. Review status: criteria provided, single submitter. Criteria: ICSL Variant Classification Criteria 13 December 2019. Collection method: clinical testing. Allele origin: germline.
Comment: This variant was observed in the ICSL laboratory as part of a predisposition screen in an ostensibly healthy population. It had not been previously curated by ICSL or reported in the Human Gene Mutation Database (HGMD: prior to June 1st, 2018), and was therefore a candidate for classification through an automated scoring system. Utilizing variant allele frequency, disease prevalence and penetrance estimates, and inheritance mode, an automated score was calculated to assess if this variant is too frequent to cause the disease. Based on the score and internal cut-off values, a variant classified as benign is not then subjected to further curation. The score for this variant resulted in a classification of benign for this disease.